The following is an entry in ClinVar:

ClinVar aggregate classification (germline): Likely benign (1 of 4 stars; one submission).

Allele frequency attached by ClinVar (database versions not stated): ESP Exome Variant Server 0.00046; 1000 Genomes Project 0.00080; ExAC 0.00082; 1000 Genomes Project 30x 0.00094; gnomAD 0.00094; TOPMed 0.00095.

Submission:

CeGaT Center for Human Genetics Tuebingen
Classification: Likely benign. Last evaluated: 2024-04-01. Review status: criteria provided, single submitter. Criteria: CeGaT Center For Human Genetics Tuebingen Variant Classification Criteria Version 2. Collection method: clinical testing. Allele origin: germline. Affected: yes. Observed: 1 variant allele.
Comment: SLC45A3: BP4

NM_033102.3(SLC45A3):c.1582G>A (p.Ala528Thr)

Gene: SLC45A3 (solute carrier family 45 member 3; minus strand). Cytogenetic location: 1q32.1.
Variant type: single nucleotide variant.
Coding change: c.1582G>A on transcript NM_033102.3 (MANE Select); coding-DNA position 1582, G replaced by A.
Protein change: p.Ala528Thr; replaces alanine 528 with threonine.
Molecular consequence: missense variant.
Genome position (GRCh38, 1-based): chr1:205,659,314, C>T on the plus strand (G>A on the coding strand, the complement: SLC45A3 is on the minus strand). VCF-style: chr1-205659314-C-T. GRCh37 (hg19) VCF-style: chr1-205628442-C-T.
Other names: short protein forms A528T.
Identifiers: ClinVar variation 3234187 (VCV003234187.20), dbSNP rs151018622, ClinGen allele CA1356291.